The following is an entry in ClinVar:

NM_006517.5(SLC16A2):c.-120G>A

Gene: SLC16A2 (solute carrier family 16 member 2; plus strand). Cytogenetic location: Xq13.2.
Variant type: single nucleotide variant.
Coding change: c.-120G>A on transcript NM_006517.5 (MANE Select); 120 bases upstream of the start codon, G replaced by A.
Molecular consequence: 5 prime UTR variant.
Genome position (GRCh38, 1-based): chrX:74,421,518, G>A. VCF-style: chrX-74421518-G-A. GRCh37 (hg19) VCF-style: chrX-73641353-G-A.
Identifiers: ClinVar variation 675273 (VCV000675273.1), dbSNP rs746938228, ClinGen allele CA10454336.

ClinVar aggregate classification (germline): Likely benign (1 of 4 stars; one submission).

Allele frequency attached by ClinVar (database versions not stated): gnomAD exomes 0.00003 and 0.00012; gnomAD 0.00005 and 0.00006; TOPMed 0.00007; ExAC 0.00014.
gnomAD v4.1: 105 of 968,048 alleles (0.011%); highest among the groups gnomAD compares: Non-Finnish European, 0.014%; no homozygotes.

Submission:

GeneDx
Classification: Likely benign. Last evaluated: 2017-10-09. Review status: criteria provided, single submitter. Criteria: GeneDx Variant Classification (06012015). Collection method: clinical testing. Allele origin: germline. Affected: yes.
Comment: This variant is considered likely benign or benign based on one or more of the following criteria: it is a conservative change, it occurs at a poorly conserved position in the protein, it is predicted to be benign by multiple in silico algorithms, and/or has population frequency not consistent with disease.